The following is an entry in ClinVar:

ClinVar aggregate classification (germline): Uncertain significance (1 of 4 stars; one submission).

gnomAD v4.1: 10 of 1,613,338 alleles (0.00062%); highest among the groups gnomAD compares: East Asian, 0.022%; no homozygotes.

Submission:

Labcorp Genetics (formerly Invitae), Labcorp
Classification: Uncertain significance. Last evaluated: 2024-04-06. Review status: criteria provided, single submitter. Criteria: Invitae Variant Classification Sherloc (09022015). Collection method: clinical testing. Allele origin: germline.
Comment: This sequence change replaces serine, which is neutral and polar, with threonine, which is neutral and polar, at codon 890 of the CFH protein (p.Ser890Thr). This variant is present in population databases (rs515299, gnomAD 0.06%). This variant has not been reported in the literature in individuals affected with CFH-related conditions. ClinVar contains an entry for this variant (Variation ID: 1466036). Algorithms developed to predict the effect of missense changes on protein structure and function output the following: SIFT: "Not Available"; PolyPhen-2: "Benign"; Align-GVGD: "Not Available". The threonine amino acid residue is found in multiple mammalian species, which suggests that this missense change does not adversely affect protein function. In summary, the available evidence is currently insufficient to determine the role of this variant in disease. Therefore, it has been classified as a Variant of Uncertain Significance.

NM_000186.4(CFH):c.2669G>C (p.Ser890Thr)

Gene: CFH (complement factor H; plus strand). Cytogenetic location: 1q31.3.
Variant type: single nucleotide variant.
Coding change: c.2669G>C on transcript NM_000186.4 (MANE Select); coding-DNA position 2669, G replaced by C.
Protein change: p.Ser890Thr; replaces serine 890 with threonine.
Molecular consequence: missense variant.
Genome position (GRCh38, 1-based): chr1:196,737,547, G>C. VCF-style: chr1-196737547-G-C. GRCh37 (hg19) VCF-style: chr1-196706677-G-C.
Other names: short protein forms S890T.
Identifiers: ClinVar variation 1466036 (VCV001466036.6), dbSNP rs515299, ClinGen allele CA1305712.
Genomic context (GRCh38, chr1:196,737,547, plus strand): 5'-GTTCACAACCACCTCAGATAGAACACGGAACCATTAATTCATCCAGGTCTTCACAAGAAA[G>C]TTATGCACATGGGACTAAATTGAGTTATACTTGTGAGGGTGGTTTCAGGATATCTGAAGA-3'
Protein context (NP_000177.2, residues 880-900): TINSSRSSQE[Ser890Thr]YAHGTKLSYT